The following is an entry in ClinVar:

NC_000011.9:g.(103104890_103106400)_(103107269_103112255)del

Gene: DYNC2H1 (dynein cytoplasmic 2 heavy chain 1; plus strand). Cytogenetic location: 11q22.3.
Variant type: Deletion.
Identifiers: ClinVar variation 3366398 (VCV003366398.1).

ClinVar aggregate classification (germline): Uncertain significance (1 of 4 stars; one submission).

Submission:

Women's Health and Genetics/Laboratory Corporation of America, LabCorp
Classification: Uncertain significance. Last evaluated: 2024-08-08. Review status: criteria provided, single submitter. Criteria: LabCorp Variant Classification Summary - May 2015. Collection method: clinical testing. Allele origin: germline.
Comment: Variant summary: The variant involves the deletion of exons 62-63 in the DYNC2H1 gene. A presumed nomenclature of c.(9567+1_9568-1)_(9819+1_9820-1)del has been designated for the purposes of this classification. This Copy Number Variant (CNV) is predicted to result in an in-frame deletion of 84 amino acids within this gene, affecting the Dynein heavy chain, coiled coil stalk (IPR024743) of the protein. However, its impact on protein function is unclear. The variant was absent in 21694 control chromosomes. The available data on variant occurrences in the general population are insufficient to allow any conclusion about variant significance. To our knowledge, no occurrence of c.(9567+1_9568-1)_(9819+1_9820-1)del in individuals affected with Short-rib thoracic dysplasia and no experimental evidence demonstrating its impact on protein function have been reported. No submitters have cited clinical-significance assessments for this variant to ClinVar. Based on the evidence outlined above, the variant was classified as uncertain significance.